The following is an entry in ClinVar:

NM_017649.5(CNNM2):c.2036_2044del (p.Arg679_Lys681del)

Gene: CNNM2 (cyclin and CBS domain divalent metal cation transport mediator 2; plus strand). Cytogenetic location: 10q24.32.
Variant type: Deletion.
Coding change: c.2036_2044del on transcript NM_017649.5 (MANE Select); coding-DNA positions 2036 to 2044, 9 bases deleted (GCAACAAGC; older notation c.2036_2044delGCAACAAGC).
Protein change: p.Arg679_Lys681del.
Genome position (GRCh38, 1-based): chr10:103,056,927-103,056,935, GCAACAAGC deleted; deleting any 9 consecutive bases within chr10:103,056,924-103,056,935 gives the same sequence; the c. name uses the placement nearest the transcript's 3' end. VCF-style (leftmost placement, unchanged base first): chr10-103056923-CAGCGCAACA-C. GRCh37 (hg19) VCF-style: chr10-104816680-CAGCGCAACA-C.
Other names: c.2036_2044del, p.Arg679_Lys681del (NM_199076.3).
Identifiers: ClinVar variation 3897297 (VCV003897297.1).

ClinVar aggregate classification (germline): Uncertain significance (1 of 4 stars; one submission).

Submission:

GeneDx
Classification: Uncertain significance. Last evaluated: 2024-10-31. Review status: criteria provided, single submitter. Criteria: GeneDx Variant Classification Process June 2021. Collection method: clinical testing. Allele origin: germline. Affected: yes.
Comment: Not observed at significant frequency in large population cohorts (gnomAD); In-frame deletion of 3 amino acid(s) in a non-repeat region; In silico analysis supports a deleterious effect on protein structure/function; Has not been previously published as pathogenic or benign to our knowledge